The following is an entry in ClinVar:

NM_001953.5(TYMP):c.1321C>T (p.His441Tyr)

Genes: SCO2 (synthesis of cytochrome C oxidase 2; minus strand), TYMP (thymidine phosphorylase; minus strand), LOC130067862 (ATAC-STARR-seq lymphoblastoid silent region 13986; plus strand). Cytogenetic location: 22q13.33.
Variant type: single nucleotide variant.
Coding change: c.1321C>T on transcript NM_001953.5 (MANE Select); coding-DNA position 1321, C replaced by T.
Protein change: p.His441Tyr; replaces histidine 441 with tyrosine.
Molecular consequence: missense variant. On other transcripts: intron variant (2).
Genome position (GRCh38, 1-based): chr22:50,525,898, G>A on the plus strand (C>T on the coding strand, the complement: TYMP is on the minus strand). VCF-style: chr22-50525898-G-A. GRCh37 (hg19) VCF-style: chr22-50964327-G-A.
Other names: c.1321C>T, p.His441Tyr (NM_001113755.3, NM_001113756.3, NM_001257988.1); c.1336C>T, p.His446Tyr (NM_001257989.1); c.-14+348C>T (NM_001169109.2); c.-14+103C>T (NM_001169110.1); short protein forms H441Y, H446Y.
Identifiers: ClinVar variation 215341 (VCV000215341.11), dbSNP rs781153870, ClinGen allele CA324286.
Genomic context (GRCh38, chr22:50,525,898, plus strand): 5'-GTACGAGCGCCTCCTGCAGGGCGCGGCTCTGCGGGCCGCTGAGCGCGGGGCCGTCCCGGT[G>A]CACGCGGAGCCAGGGGGTCCCTGCAGAGCGAGGGGCTGTTAGAGGCCGCGCGGCCGGAGC-3'
Protein context (NP_001944.1, residues 431-451): LRRGTPWLRV[His441Tyr]RDGPALSGPQ

ClinVar aggregate classification (germline): Conflicting classifications of pathogenicity. Review status: criteria provided, conflicting classifications (1 of 4 stars). 3 submissions from 3 submitters: Uncertain significance (1); Likely benign (1). 1 of the submissions does not count toward it. Last evaluated 2024-08-02.

Conditions:
Mitochondrial neurogastrointestinal encephalomyopathy. Also called: Mitochondrial neurogastrointestinal encephalopathy syndrome; MNGIE syndrome; Thymidine phosphorylase deficiency. Identifiers: Orphanet 298, MedGen C0872218, MONDO:0017575.

Allele frequency attached by ClinVar (database versions not stated): gnomAD exomes 0.00005 and 0.00011; gnomAD 0.00001 and below 0.00001; ExAC 0.00021; TOPMed below 0.00001.
gnomAD v4.1: 65 of 1,560,124 alleles (0.0042%); highest among the groups gnomAD compares: South Asian, 0.074%; 1 homozygote.

Submissions (3):

Labcorp Genetics (formerly Invitae), Labcorp
Classification: Likely benign. Last evaluated: 2024-08-02. Review status: criteria provided, single submitter. Criteria: Invitae Variant Classification Sherloc (09022015). Collection method: clinical testing. Allele origin: germline.

GeneDx
Classification: Uncertain significance. Last evaluated: 2017-08-02. Review status: criteria provided, single submitter. Criteria: GeneDx Variant Classification (06012015). Collection method: clinical testing. Allele origin: germline. Affected: yes.
Comment: p.His441Tyr (CAC>TAC): c.1321 C>T in exon 10 of the TYMP gene (NM_001953.3). The H441Y variant in the TYMP gene has not been published as a mutation, nor has it been reported as a benign polymorphism to our knowledge. Mutations in the TYMP gene are associated with the autosomal recessive disorder mitochondrial DNA depletion syndrome 1 (MNGIE Type). H441Y is a non-conservative amnio acid substitution as a positively charged Histidine residue is replaced with an uncharged Tyrosine residue. This change occurs at a position in the TYMP protein that is not highly conserved. Multiple in-silico analysis models predict that H441Y is damaging to the TYMP protein. Therefore, based on the currently available information, it is unclear whether H441Y is a disease-causing mutation or a rare benign variant. The variant is found in OAPEO-MITOP panel(s).

Natera, Inc.
Classification: Uncertain significance for Mitochondrial neurogastrointestinal encephalomyopathy. Last evaluated: 2019-11-11. Review status: no assertion criteria provided. Collection method: clinical testing. Allele origin: germline. Not counted in ClinVar's aggregate classification.